The following is an entry in ClinVar:

ClinVar aggregate classification (germline): Uncertain significance (1 of 4 stars; one submission).

Allele frequency attached by ClinVar (database versions not stated): ExAC 0.00001; ESP Exome Variant Server 0.00008.

Submission:

Ambry Genetics
Classification: Uncertain significance. Last evaluated: 2023-09-27. Review status: criteria provided, single submitter. Criteria: Ambry Variant Classification Scheme 2023. Collection method: clinical testing. Allele origin: germline.
Comment: The p.A351V variant (also known as c.1052C>T), located in coding exon 3 of the TERF2IP gene, results from a C to T substitution at nucleotide position 1052. The alanine at codon 351 is replaced by valine, an amino acid with similar properties. This amino acid position is conserved. In addition, this alteration is predicted to be tolerated by in silico analysis. Since supporting evidence is limited at this time, the clinical significance of this alteration remains unclear.

NM_018975.4(TERF2IP):c.1052C>T (p.Ala351Val)

Gene: TERF2IP (TERF2 interacting protein; plus strand). Cytogenetic location: 16q23.1.
Variant type: single nucleotide variant.
Coding change: c.1052C>T on transcript NM_018975.4 (MANE Select); coding-DNA position 1052, C replaced by T.
Protein change: p.Ala351Val; replaces alanine 351 with valine.
Molecular consequence: missense variant. On other transcripts: non-coding transcript variant (1).
Genome position (GRCh38, 1-based): chr16:75,656,463, C>T. VCF-style: chr16-75656463-C-T. GRCh37 (hg19) VCF-style: chr16-75690361-C-T.
Other names: short protein forms A351V.
Identifiers: ClinVar variation 1777558 (VCV001777558.2), dbSNP rs367821647, ClinGen allele CA8178151.